The following is an entry in ClinVar:

NM_005676.5(RBM10):c.1706T>C (p.Val569Ala)

Gene: RBM10 (RNA binding motif protein 10; plus strand). Cytogenetic location: Xp11.3.
Variant type: single nucleotide variant.
Coding change: c.1706T>C on transcript NM_005676.5 (MANE Select); coding-DNA position 1706, T replaced by C.
Protein change: p.Val569Ala; replaces valine 569 with alanine.
Molecular consequence: missense variant.
Genome position (GRCh38, 1-based): chrX:47,181,963, T>C. VCF-style: chrX-47181963-T-C. GRCh37 (hg19) VCF-style: chrX-47041362-T-C.
Other names: c.1475T>C, p.Val492Ala (NM_001204466.2); c.1703T>C, p.Val568Ala (NM_001204467.2); c.1901T>C, p.Val634Ala (NM_001204468.2); c.1472T>C, p.Val491Ala (NM_152856.3); short protein forms V491A, V492A, V568A, V569A, V634A.
Identifiers: ClinVar variation 3252692 (VCV003252692.2), dbSNP rs1316591274.

ClinVar aggregate classification (germline): Uncertain significance (1 of 4 stars; one submission).

Allele frequency attached by ClinVar (database versions not stated): TOPMed below 0.00001; gnomAD 0.00001; gnomAD exomes 0.00001.
gnomAD v4.1: 7 of 1,208,832 alleles (0.00058%); highest among the groups gnomAD compares: Non-Finnish European, 0.00078%; no homozygotes.

Submission:

GeneDx
Classification: Uncertain significance. Last evaluated: 2026-03-26. Review status: criteria provided, single submitter. Criteria: GeneDx Variant Classification Process June 2021. Collection method: clinical testing. Allele origin: germline.
Comment: In silico analysis supports that this missense variant has a deleterious effect on protein structure/function; Has not been previously published as pathogenic or benign to our knowledge